The following is an entry in ClinVar:

ClinVar aggregate classification (germline): Pathogenic/Likely pathogenic. Review status: criteria provided, multiple submitters, no conflicts (2 of 4 stars). 3 submissions from 3 submitters: Pathogenic (2); Likely pathogenic (1). Last evaluated 2023-11-24.

Conditions:
Wolfram syndrome 1 (WFS1). Identifiers: Orphanet 3463, MedGen C4551693, MONDO:0009101, OMIM 222300.
Cataract 41 (CTRCT41). Also called: CATARACT 41, CONGENITAL NUCLEAR TYPE. Identifiers: Orphanet 91492, Orphanet 98991, Orphanet 98992, Orphanet 98995, MedGen C3805412, MONDO:0007287, OMIM 116400.
Wolfram-like syndrome. Also called: HEARING LOSS, PROGRESSIVE, WITH OPTIC ATROPHY AND/OR IMPAIRED GLUCOSE REGULATION. Identifiers: Orphanet 411590, MedGen C3280358, MONDO:0013673, OMIM 614296.
Autosomal dominant nonsyndromic hearing loss 6 (LFSNHL). Also called: Autosomal dominant nonsyndromic deafness 6; DEAFNESS, AUTOSOMAL DOMINANT 6; DEAFNESS, AUTOSOMAL DOMINANT 14; DEAFNESS, AUTOSOMAL DOMINANT 38. Identifiers: Orphanet 90635, MedGen C1833021, MONDO:0010963, OMIM 600965.
Type 2 diabetes mellitus. Also called: Type II diabetes mellitus. Identifiers: MedGen C0011860, MeSH D003924, MONDO:0005148, OMIM 125853, HP:0005978.
WFS1-related disorder. Identifiers: MedGen CN379391, MONDO:0700293.

Submissions (3):

Labcorp Genetics (formerly Invitae), Labcorp
Classification: Pathogenic. Last evaluated: 2023-11-24. Review status: criteria provided, single submitter. Criteria: Invitae Variant Classification Sherloc (09022015). Collection method: clinical testing. Allele origin: germline.
Comment: This sequence change creates a premature translational stop signal (p.Gln520*) in the WFS1 gene. While this is not anticipated to result in nonsense mediated decay, it is expected to disrupt the last 371 amino acid(s) of the WFS1 protein. This variant is present in population databases (no rsID available, gnomAD 0.0009%). This premature translational stop signal has been observed in individual(s) with Wolfram syndrome and Wolfram-like syndrome (PMID: 9817917, 15605410, 17568405, 24890733, 28432734). It has also been observed to segregate with disease in related individuals. ClinVar contains an entry for this variant (Variation ID: 1455530). For these reasons, this variant has been classified as Pathogenic.

Blueprint Genetics
Classification: Likely pathogenic for WFS1-related disorders. Last evaluated: 2022-08-27. Review status: criteria provided, single submitter. Criteria: ACMG Guidelines, 2015. Collection method: clinical testing. Allele origin: germline. Affected: yes. Observed: 3 variant alleles.

Fulgent Genetics
Classification: Pathogenic for Cataract 41; Type 2 diabetes mellitus; Wolfram syndrome 1; Autosomal dominant nonsyndromic hearing loss 6; Wolfram-like syndrome. Last evaluated: 2022-02-23. Review status: criteria provided, single submitter. Criteria: ACMG Guidelines, 2015. Collection method: clinical testing. Allele origin: unknown.

Literature cited by the submitters: PubMed 9817917 (cited by Labcorp Genetics (formerly Invitae), Labcorp); PubMed 15605410 (cited by Labcorp Genetics (formerly Invitae), Labcorp); PubMed 17568405 (cited by Labcorp Genetics (formerly Invitae), Labcorp); PubMed 24890733 (cited by Labcorp Genetics (formerly Invitae), Labcorp); PubMed 28432734 (cited by Labcorp Genetics (formerly Invitae), Labcorp).

NM_006005.3(WFS1):c.1558C>T (p.Gln520Ter)

Gene: WFS1 (wolframin ER transmembrane glycoprotein; plus strand). Cytogenetic location: 4p16.1.
Variant type: single nucleotide variant.
Coding change: c.1558C>T on transcript NM_006005.3 (MANE Select); coding-DNA position 1558, C replaced by T.
Protein change: p.Gln520Ter; replaces glutamine 520 with a stop codon.
Molecular consequence: nonsense.
Genome position (GRCh38, 1-based): chr4:6,301,353, C>T. VCF-style: chr4-6301353-C-T. GRCh37 (hg19) VCF-style: chr4-6303080-C-T.
Other names: c.1558C>T, p.Gln520Ter (NM_001145853.1); short protein forms Q520*.
Identifiers: ClinVar variation 1455530 (VCV001455530.10), dbSNP rs377544135, ClinGen allele CA356175948.